The following is an entry in ClinVar:

NM_182746.3(MCM4):c.848T>C (p.Ile283Thr)

Gene: MCM4 (minichromosome maintenance complex component 4; plus strand). Cytogenetic location: 8q11.21.
Variant type: single nucleotide variant.
Coding change: c.848T>C on transcript NM_182746.3 (MANE Select); coding-DNA position 848, T replaced by C.
Protein change: p.Ile283Thr; replaces isoleucine 283 with threonine.
Molecular consequence: missense variant.
Genome position (GRCh38, 1-based): chr8:47,966,202, T>C. VCF-style: chr8-47966202-T-C. GRCh37 (hg19) VCF-style: chr8-48878762-T-C.
Other names: c.848T>C, p.Ile283Thr (NM_005914.4); short protein forms I283T.
Identifiers: ClinVar variation 910719 (VCV000910719.10), dbSNP rs149232439, ClinGen allele CA4742447.

ClinVar aggregate classification (germline): Uncertain significance. Review status: criteria provided, multiple submitters, no conflicts (2 of 4 stars). 5 submissions from 5 submitters: Uncertain significance (5). Last evaluated 2024-01-29.

Conditions:
Primary immunodeficiency with natural-killer cell deficiency and adrenal insufficiency (IMD54). Also called: Natural killer cell and glucocorticoid deficiency with DNA repair defect; IMMUNODEFICIENCY 54. Identifiers: Orphanet 75391, MedGen C1864947, MONDO:0012383, OMIM 609981.

Allele frequency attached by ClinVar (database versions not stated): 1000 Genomes Project 30x 0.00031; 1000 Genomes Project 0.00040; gnomAD 0.00053 and 0.00055; ESP Exome Variant Server 0.00054; gnomAD exomes 0.00058 and 0.00071; TOPMed 0.00058; ExAC 0.00077.
gnomAD v4.1: 935 of 1,614,014 alleles (0.058%); highest among the groups gnomAD compares: Middle Eastern, 0.35%; 3 homozygotes.

Submissions (5):

Labcorp Genetics (formerly Invitae), Labcorp
Classification: Uncertain significance. Last evaluated: 2024-01-29. Review status: criteria provided, single submitter. Criteria: Invitae Variant Classification Sherloc (09022015). Collection method: clinical testing. Allele origin: germline.
Comment: This sequence change replaces isoleucine, which is neutral and non-polar, with threonine, which is neutral and polar, at codon 283 of the MCM4 protein (p.Ile283Thr). This variant is present in population databases (rs149232439, gnomAD 0.1%), and has an allele count higher than expected for a pathogenic variant. This missense change has been observed in individual(s) with multiple congenital anomalies (PMID: 26633542). ClinVar contains an entry for this variant (Variation ID: 910719). Advanced modeling of protein sequence and biophysical properties (such as structural, functional, and spatial information, amino acid conservation, physicochemical variation, residue mobility, and thermodynamic stability) performed at Invitae indicates that this missense variant is not expected to disrupt MCM4 protein function with a negative predictive value of 80%. In summary, the available evidence is currently insufficient to determine the role of this variant in disease. Therefore, it has been classified as a Variant of Uncertain Significance.

GeneDx
Classification: Uncertain significance. Last evaluated: 2022-10-20. Review status: criteria provided, single submitter. Criteria: GeneDx Variant Classification Process June 2021. Collection method: clinical testing. Allele origin: germline. Affected: yes.
Comment: In silico analysis supports that this missense variant has a deleterious effect on protein structure/function; Identified in a patient with recurrent infections previously tested at GeneDx (Retterer et al., 2016); This variant is associated with the following publications: (PMID: 34426522, 26633542)

Fulgent Genetics
Classification: Uncertain significance for Primary immunodeficiency with natural-killer cell deficiency and adrenal insufficiency. Last evaluated: 2022-04-16. Review status: criteria provided, single submitter. Criteria: ACMG Guidelines, 2015. Collection method: clinical testing. Allele origin: unknown.

Illumina Laboratory Services, Illumina
Classification: Uncertain significance for Primary immunodeficiency with natural-killer cell deficiency and adrenal insufficiency. Last evaluated: 2018-01-12. Review status: criteria provided, single submitter. Criteria: ICSL Variant Classification Criteria 13 December 2019. Collection method: clinical testing. Allele origin: germline.

Breakthrough Genomics
Classification: Uncertain significance. Review status: criteria provided, single submitter. Criteria: ACMG Guidelines, 2015. Collection method: not provided. Allele origin: germline. Inheritance: Autosomal recessive inheritance. Affected: yes.

Literature cited by the submitters: PubMed 26633542 (cited by Labcorp Genetics (formerly Invitae), Labcorp).